The following is an entry in ClinVar:

ClinVar aggregate classification (germline): Pathogenic/Likely pathogenic. Review status: criteria provided, multiple submitters, no conflicts (2 of 4 stars). 3 submissions from 3 submitters: Pathogenic (2); Likely pathogenic (1). Last evaluated 2022-04-01.

Conditions:
Mucopolysaccharidosis type 1. Also called: IDUA deficiency; MPS I; Mucopolysaccharidosis Type I. Identifiers: Orphanet 579, MedGen C0023786, MONDO:0001586.
Mucopolysaccharidosis, MPS-I-H/S. Also called: Mucopolysaccharidosis type IH/S. Identifiers: Orphanet 93476, MedGen C0086431, MONDO:0011759, OMIM 607015.
Hurler syndrome. Also called: MUCOPOLYSACCHARIDOSIS TYPE IH; Severe MPS I (Hurler Syndrome); Gargoylism, Hurler Syndrome. Identifiers: Orphanet 93473, MedGen C0086795, MONDO:0011758, OMIM 607014.

Allele frequency attached by ClinVar (database versions not stated): gnomAD exomes below 0.00001; ExAC 0.00001.
gnomAD v4.1: 1 of 1,613,210 alleles (0.000062%); highest among the groups gnomAD compares: Admixed American, 0.0017%; no homozygotes.

Submissions (3):

Labcorp Genetics (formerly Invitae), Labcorp
Classification: Pathogenic for Mucopolysaccharidosis type 1. Last evaluated: 2022-04-01. Review status: criteria provided, single submitter. Criteria: Invitae Variant Classification Sherloc (09022015). Collection method: clinical testing. Allele origin: germline.
Comment: For these reasons, this variant has been classified as Pathogenic. ClinVar contains an entry for this variant (Variation ID: 984180). This variant has not been reported in the literature in individuals affected with IDUA-related conditions. This variant is present in population databases (rs776305028, gnomAD 0.003%). This sequence change creates a premature translational stop signal (p.Trp175*) in the IDUA gene. It is expected to result in an absent or disrupted protein product. Loss-of-function variants in IDUA are known to be pathogenic (PMID: 11735025, 21480867).

Myriad Genetics, Inc.
Classification: Likely pathogenic for Mucopolysaccharidosis, MPS-I-H/S. Last evaluated: 2020-01-14. Review status: criteria provided, single submitter. Criteria: Myriad Women's Health Autosomal Recessive and X-Linked Classification Criteria (2019). Collection method: clinical testing. Allele origin: unknown.
Comment: NM_000203.3(IDUA):c.525G>A(W175*) is expected to be pathogenic in the context of mucopolysaccharidosis type I. This variant is predicted to lead to an abnormal or absent protein product due to the creation of a premature termination codon in IDUA, a gene where loss-of-function variants are known to be pathogenic. Please note: this variant was assessed in the context of healthy population screening.

Baylor Genetics
Classification: Pathogenic for Hurler syndrome. Last evaluated: 2018-10-05. Review status: criteria provided, single submitter. Criteria: ACMG Guidelines, 2015. Collection method: clinical testing. Allele origin: maternal. Affected: yes.
Comment: This variant was determined to be pathogenic according to ACMG Guidelines, 2015 [PMID:25741868].

Literature cited by the submitters: PubMed 11735025 (cited by Labcorp Genetics (formerly Invitae), Labcorp); PubMed 21480867 (cited by Labcorp Genetics (formerly Invitae), Labcorp).

NM_000203.5(IDUA):c.525G>A (p.Trp175Ter)

Gene: IDUA (alpha-L-iduronidase; plus strand). Cytogenetic location: 4p16.3.
Variant type: single nucleotide variant.
Coding change: c.525G>A on transcript NM_000203.5 (MANE Select); coding-DNA position 525, G replaced by A.
Protein change: p.Trp175Ter; replaces tryptophan 175 with a stop codon.
Molecular consequence: nonsense. On other transcripts: non-coding transcript variant (1).
Genome position (GRCh38, 1-based): chr4:1,001,499, G>A. VCF-style: chr4-1001499-G-A. GRCh37 (hg19) VCF-style: chr4-995287-G-A.
Other names: c.129G>A, p.Trp43Ter (NM_001363576.1); short protein forms W175*, W43*.
Identifiers: ClinVar variation 984180 (VCV000984180.10), dbSNP rs776305028, ClinGen allele CA2801980.